The following is an entry in ClinVar:

ClinVar aggregate classification (germline): Uncertain significance. Review status: criteria provided, multiple submitters, no conflicts (2 of 4 stars). 2 submissions from 2 submitters: Uncertain significance (2). Last evaluated 2026-03-01.

Conditions:
Pyridoxine-dependent epilepsy (EPEO4). Also called: PYRIDOXINE DEPENDENCY WITH SEIZURES; Pyridoxine-Dependent Seizures; Pyridoxine-Dependent Epilepsy - ALDH7A1; EPILEPSY, EARLY-ONSET, 4, VITAMIN B6-DEPENDENT. Identifiers: Orphanet 3006, MedGen C1849508, MONDO:0009945, OMIM 266100. Disease mechanism: loss of function.

gnomAD v4.1: 2 of 1,612,154 alleles (0.00012%); highest among the groups gnomAD compares: Middle Eastern, 0.037%; no homozygotes.

Submissions (2):

CeGaT Center for Human Genetics Tuebingen
Classification: Uncertain significance. Last evaluated: 2026-03-01. Review status: criteria provided, single submitter. Criteria: CeGaT Center For Human Genetics Tuebingen Variant Classification Criteria Version 2. Collection method: clinical testing. Allele origin: germline. Affected: yes. Observed: 1 variant allele.
Comment: ALDH7A1: PM2

Department of Human Genetics, Hannover Medical School
Classification: Uncertain significance for Pyridoxine-dependent epilepsy. Last evaluated: 2025-03-24. Review status: criteria provided, single submitter. Criteria: ACMG Guidelines, 2015. Collection method: clinical testing. Allele origin: germline. Affected: yes.
Comment: ACMG: PM2_Supporting, PP3

NM_001182.5(ALDH7A1):c.1310A>C (p.Lys437Thr)

Gene: ALDH7A1 (aldehyde dehydrogenase 7 family member A1; minus strand). Cytogenetic location: 5q23.2.
Variant type: single nucleotide variant.
Coding change: c.1310A>C on transcript NM_001182.5 (MANE Select); coding-DNA position 1310, A replaced by C.
Protein change: p.Lys437Thr; replaces lysine 437 with threonine.
Molecular consequence: missense variant.
Genome position (GRCh38, 1-based): chr5:126,552,028, T>G on the plus strand (A>C on the coding strand, the complement: ALDH7A1 is on the minus strand). VCF-style: chr5-126552028-T-G. GRCh37 (hg19) VCF-style: chr5-125887720-T-G.
Other names: c.1226A>C, p.Lys409Thr (NM_001201377.2); c.1118A>C, p.Lys373Thr (NM_001202404.2); short protein forms K373T, K409T, K437T.
Identifiers: ClinVar variation 3773641 (VCV003773641.5).